The following is an entry in ClinVar:

NC_000011.10:g.119168342T>C

Gene: NLRX1 (NLR family member X1; plus strand). Cytogenetic location: 11q23.3.
Variant type: single nucleotide variant.
Molecular consequence: 5 prime UTR variant (on NM_001282358.2).
Genome position: GRCh38 VCF-style: chr11-119168342-T-C. GRCh37 (hg19) VCF-style: chr11-119039051-T-C.
Other names: c.-154T>C (NM_001282358.2).
Identifiers: ClinVar variation 102946 (VCV000102946.3), dbSNP rs199476028, ClinGen allele CA229909.

ClinVar aggregate classification (germline): not provided (0 of 4 stars; one submission).

Allele frequency attached by ClinVar (database versions not stated): gnomAD 0.00001 and below 0.00001; TOPMed 0.00005.

Submission:

Human Evolutionary Genetics, Institut Pasteur
No classification provided. Review status: no classification provided. Collection method: not provided. Allele origin: germline.
ClinVar note: Converted during submission from untested to not provided.